The following is an entry in ClinVar:

NM_080473.5(GATA5):c.932C>T (p.Ser311Leu)

Gene: GATA5 (GATA binding protein 5; minus strand). Cytogenetic location: 20q13.33.
Variant type: single nucleotide variant.
Coding change: c.932C>T on transcript NM_080473.5 (MANE Select); coding-DNA position 932, C replaced by T.
Protein change: p.Ser311Leu; replaces serine 311 with leucine.
Molecular consequence: missense variant.
Genome position (GRCh38, 1-based): chr20:62,465,446, G>A on the plus strand (C>T on the coding strand, the complement: GATA5 is on the minus strand). VCF-style: chr20-62465446-G-A. GRCh37 (hg19) VCF-style: chr20-61040502-G-A.
Other names: c.932C>T (NM_080473.4); short protein forms S311L.
Identifiers: ClinVar variation 1521551 (VCV001521551.9), dbSNP rs150122400, ClinGen allele CA9946114.

ClinVar aggregate classification (germline): Conflicting classifications of pathogenicity. Review status: criteria provided, conflicting classifications (1 of 4 stars). 3 submissions from 3 submitters: Uncertain significance (2); Likely benign (1). Last evaluated 2026-09-23.

Allele frequency attached by ClinVar (database versions not stated): gnomAD 0.00016 and 0.00015; gnomAD exomes 0.00014; TOPMed 0.00020; ExAC 0.00011; ESP Exome Variant Server 0.00031.
gnomAD v4.1: 204 of 1,608,724 alleles (0.013%); highest among the groups gnomAD compares: Middle Eastern, 0.099%; no homozygotes.

Submissions (3):

GeneDx
Classification: Uncertain significance. Last evaluated: 2026-09-23. Review status: criteria provided, single submitter. Criteria: GeneDx Variant Classification Process June 2021. Collection method: clinical testing. Allele origin: germline.
Comment: In silico analysis suggests that this missense variant does not alter protein structure/function; This variant is associated with the following publications: (PMID: 30675029)

Labcorp Genetics (formerly Invitae), Labcorp
Classification: Uncertain significance. Last evaluated: 2025-12-09. Review status: criteria provided, single submitter. Criteria: Invitae Variant Classification Sherloc (09022015). Collection method: clinical testing. Allele origin: germline.
Comment: This sequence change replaces serine, which is neutral and polar, with leucine, which is neutral and non-polar, at codon 311 of the GATA5 protein (p.Ser311Leu). This variant is present in population databases (rs150122400, gnomAD 0.04%), and has an allele count higher than expected for a pathogenic variant. This variant has not been reported in the literature in individuals affected with GATA5-related conditions. ClinVar contains an entry for this variant (Variation ID: 1521551). Invitae Evidence Modeling of protein sequence and biophysical properties (such as structural, functional, and spatial information, amino acid conservation, physicochemical variation, residue mobility, and thermodynamic stability) indicates that this missense variant is not expected to disrupt GATA5 protein function with a negative predictive value of 80%. In summary, the available evidence is currently insufficient to determine the role of this variant in disease. Therefore, it has been classified as a Variant of Uncertain Significance.

Blueprint Genetics
Classification: Likely benign. Last evaluated: 2024-08-27. Review status: criteria provided, single submitter. Criteria: ACMG Guidelines, 2015. Collection method: clinical testing. Allele origin: germline.